The following is an entry in ClinVar:

ClinVar aggregate classification (germline): Uncertain significance. Review status: criteria provided, multiple submitters, no conflicts (2 of 4 stars). 3 submissions from 3 submitters: Uncertain significance (3). Last evaluated 2026-09-17.

Conditions:
Factor I deficiency (CFID). Also called: Complement factor I deficiency. Identifiers: Orphanet 200418, MedGen C3463916, MONDO:0012594, OMIM 610984.
Age related macular degeneration 13. Identifiers: MedGen C3809523, MONDO:0014189, OMIM 615439.
Atypical hemolytic-uremic syndrome with I factor anomaly. Also called: HEMOLYTIC UREMIC SYNDROME, ATYPICAL, SUSCEPTIBILITY TO, 3; AHUS, SUSCEPTIBILITY TO, 3. Identifiers: Orphanet 2134, MedGen C2752039, MONDO:0013041, OMIM 612923.
CFI-related disorder. Also called: CFI-related disorders; CFI-related condition. Identifiers: MedGen CN239325.
Atypical hemolytic-uremic syndrome. Identifiers: Orphanet 2134, MedGen C2931788, MONDO:0016244.

Submissions (3):

Genomenon, Inc
Classification: Uncertain significance for CFI-related disorder. Last evaluated: 2026-09-17. Review status: criteria provided, single submitter. Criteria: Genomenon Sequence Variant Interpretation Standards - Updated. Collection method: curation. Allele origin: germline. Affected: no.
Comment: CFI p.Val230Met (c.688G>A) is a missense variant that changes the amino acid at codon 230 from Valine to Methionine. This variant has been reported in the published literature (PMID:37478687;32510551;32908800). It is absent or not present at a significant frequency in gnomAD. In silico models predict that this variant is possibly or probably damaging. In conclusion, we classify CFI p.Val230Met (c.688G>A) as a variant of uncertain significance.

Victorian Clinical Genetics Services, Murdoch Childrens Research Institute
Classification: Uncertain significance for Atypical hemolytic-uremic syndrome. Last evaluated: 2026-02-02. Review status: criteria provided, single submitter. Criteria: ACMG Guidelines, 2015. Collection method: clinical testing. Allele origin: germline. Affected: yes.
Comment: This variant is classified as VUS-3B. Evidence in support of pathogenic classification: Variant is present in gnomAD <0.01 (v4: 4 heterozygote(s), 0 homozygote(s)). - Missense variant predicted to be damaging by in silico tool(s) or highly conserved with a major amino acid change. Additional information: Variant is predicted to result in a missense amino acid change from Val to Met; This variant is heterozygous; This gene is associated with both recessive and dominant disease. Biallelic variants are associated with complement factor I deficiency (MIM#610984), whilst heterozygous variants are associated with susceptibility to age-related macular degeneration (MIM#615439) and atypical haemolytic uremic syndrome (MIM#612923/MONDO:0016244); Previous evidence of pathogenicity for this variant is inconclusive. This variant has been classified as a VUS by a clinical laboratory in ClinVar. It has also been reported in the literature in an individual with AMD who had reduced CF expression (PMID: 25788521); No published evidence of segregation with disease has been identified for this variant; Another missense variant(s) comparable to the one identified in this case has inconclusive previous evidence for pathogenicity. p.(Val230Glu) has been classified as likely pathogenic by a clinical laboratory in ClinVar, and reported in the literature in at least one individual with aHUS and reduced CF expression. However, this amino acid change has a higher Grantham score and this information has not been taken into consideration in this variant classification (PMIDs: 37363824, 24799305, 32510551); Variant is located in the annotated Ldl_recept_a repeat region (DECIPHER); Loss of function is a known mechanism of disease in this gene and is associated with complement factor I deficiency (MIM#610984) and susceptibility to atypical haemolytic uremic syndrome 3 (MIM#612923)/atypical haemolytic-uremic syndrome (MONDO:0016244); The condition associated with this gene has incomplete penetrance. Autosomal dominant atypical haemolytic uremic syndrome is known to have reduced penetrance (PMID: 20301541); Variants in this gene are known to have variable expressivity. variable severity and age of onset are reported for atypical haemolytic uremic syndrome (PMID: 20301541); Inheritance information for this variant is not currently available in this individual.

Fulgent Genetics
Classification: Uncertain significance for Factor I deficiency; Atypical hemolytic-uremic syndrome with I factor anomaly; Age related macular degeneration 13. Last evaluated: 2024-06-20. Review status: criteria provided, single submitter. Criteria: ACMG Guidelines, 2015. Collection method: clinical testing. Allele origin: germline.

Literature cited by the submitters: PubMed 37478687 (cited by Genomenon, Inc); PubMed 32510551 (cited by Genomenon, Inc and Victorian Clinical Genetics Services, Murdoch Childrens Research Institute); PubMed 32908800 (cited by Genomenon, Inc); PubMed 25788521 (cited by Victorian Clinical Genetics Services, Murdoch Childrens Research Institute); PubMed 24799305 (cited by Victorian Clinical Genetics Services, Murdoch Childrens Research Institute); PubMed 37363824 (cited by Victorian Clinical Genetics Services, Murdoch Childrens Research Institute); PubMed 20301541 (cited by Victorian Clinical Genetics Services, Murdoch Childrens Research Institute).

NM_000204.5(CFI):c.688G>A (p.Val230Met)

Gene: CFI (complement factor I; minus strand). Cytogenetic location: 4q25.
Variant type: single nucleotide variant.
Coding change: c.688G>A on transcript NM_000204.5 (MANE Select); coding-DNA position 688, G replaced by A.
Protein change: p.Val230Met; replaces valine 230 with methionine.
Molecular consequence: missense variant. On other transcripts: non-coding transcript variant (3).
Genome position (GRCh38, 1-based): chr4:109,760,607, C>T on the plus strand (G>A on the coding strand, the complement: CFI is on the minus strand). VCF-style: chr4-109760607-C-T. GRCh37 (hg19) VCF-style: chr4-110681763-C-T.
Other names: c.688G>A, p.Val230Met (NM_001318057.2, NM_001331035.2, NM_001375278.1 and 5 more transcripts); c.79G>A, p.Val27Met (NM_001375284.1); short protein forms V230M, V27M.
Identifiers: ClinVar variation 3589765 (VCV003589765.4).
Genomic context (GRCh38, chr4:109,760,607, plus strand): 5'-GGTCTCCACAATCATTGATACCATCACAGGCTTTCATCTGAGAAATGTATTTCCCATTCA[C>T]ACACTGAAAGAAGTCATCCATTGGAGAATCTGTAAAGCAGGAATTATCTTTGTGAAATTT-3'
Protein context (NP_000195.3, residues 220-240): DSPMDDFFQC[Val230Met]NGKYISQMKA